The following is an entry in ClinVar:

ClinVar aggregate classification (germline): Uncertain significance (1 of 4 stars; one submission).

Conditions:
Fetal akinesia deformation sequence 1 (FADS1). Also called: Fetal akinesia sequence; Pena-Shokeir syndrome type I. Identifiers: Orphanet 994, MedGen C1276035, MONDO:0100101, OMIM 208150, HP:0001989.
Congenital myasthenic syndrome 9. Also called: Myasthenic syndrome, congenital, 9, associated with acetylcholine receptor deficiency. Identifiers: Orphanet 590, MedGen C4225368, MONDO:0014587, OMIM 616325.

Allele frequency attached by ClinVar (database versions not stated): gnomAD exomes below 0.00001.
gnomAD v4.1: 1 of 1,613,016 alleles (0.000062%); highest among the groups gnomAD compares: African/African-American, 0.0013%; no homozygotes.

Submission:

Labcorp Genetics (formerly Invitae), Labcorp
Classification: Uncertain significance for Congenital myasthenic syndrome 9; Fetal akinesia deformation sequence 1. Last evaluated: 2022-07-19. Review status: criteria provided, single submitter. Criteria: Invitae Variant Classification Sherloc (09022015). Collection method: clinical testing. Allele origin: germline.
Comment: This variant has not been reported in the literature in individuals affected with MUSK-related conditions. This sequence change replaces lysine, which is basic and polar, with asparagine, which is neutral and polar, at codon 182 of the MUSK protein (p.Lys182Asn). This variant is not present in population databases (gnomAD no frequency). ClinVar contains an entry for this variant (Variation ID: 846586). Advanced modeling of protein sequence and biophysical properties (such as structural, functional, and spatial information, amino acid conservation, physicochemical variation, residue mobility, and thermodynamic stability) performed at Invitae indicates that this missense variant is not expected to disrupt MUSK protein function. In summary, the available evidence is currently insufficient to determine the role of this variant in disease. Therefore, it has been classified as a Variant of Uncertain Significance.

NM_005592.4(MUSK):c.546G>C (p.Lys182Asn)

Gene: MUSK (muscle associated receptor tyrosine kinase; plus strand). Cytogenetic location: 9q31.3.
Variant type: single nucleotide variant.
Coding change: c.546G>C on transcript NM_005592.4 (MANE Select); coding-DNA position 546, G replaced by C.
Protein change: p.Lys182Asn; replaces lysine 182 with asparagine.
Molecular consequence: missense variant.
Genome position (GRCh38, 1-based): chr9:110,697,384, G>C. VCF-style: chr9-110697384-G-C. GRCh37 (hg19) VCF-style: chr9-113459664-G-C.
Other names: c.546G>C, p.Lys182Asn (NM_001166280.2, NM_001166281.2); short protein forms K182N.
Identifiers: ClinVar variation 846586 (VCV000846586.13), dbSNP rs1207568075, ClinGen allele CA374666360.